The following is an entry in ClinVar:

NM_001848.3(COL6A1):c.350T>C (p.Val117Ala)

Gene: COL6A1 (collagen type VI alpha 1 chain; plus strand). Cytogenetic location: 21q22.3.
Variant type: single nucleotide variant.
Coding change: c.350T>C on transcript NM_001848.3 (MANE Select); coding-DNA position 350, T replaced by C.
Protein change: p.Val117Ala; replaces valine 117 with alanine.
Molecular consequence: missense variant.
Genome position (GRCh38, 1-based): chr21:45,984,391, T>C. VCF-style: chr21-45984391-T-C. GRCh37 (hg19) VCF-style: chr21-47404305-T-C.
Identifiers: ClinVar variation 56905 (VCV000056905.65), dbSNP rs138899581, ClinGen allele CA215981.

ClinVar aggregate classification (germline): Conflicting classifications of pathogenicity. Review status: criteria provided, conflicting classifications (1 of 4 stars). 8 submissions from 8 submitters: Uncertain significance (2); Likely benign (4). 2 of the submissions do not count toward it. Last evaluated 2026-07-01.

Conditions:
COL6A1-related disorder. Also called: COL6A1-related condition.
Collagen 6-related myopathy. Identifiers: MedGen CN117976, MONDO:0100225.
Bethlem myopathy 1A. Also called: Bethlem myopathy 1; Bethlem Muscular Dystrophy; MYOPATHY, BENIGN CONGENITAL, WITH CONTRACTURES. Identifiers: Orphanet 610, MedGen CN029274, MONDO:0024530, OMIM 158810.

Allele frequency attached by ClinVar (database versions not stated): TOPMed 0.00079; gnomAD exomes 0.00097 and 0.00142; ESP Exome Variant Server 0.00115; gnomAD 0.00075 and 0.00080; ExAC 0.00126.

Submissions (8):

CeGaT Center for Human Genetics Tuebingen
Classification: Likely benign. Last evaluated: 2026-07-01. Review status: criteria provided, single submitter. Criteria: CeGaT Center For Human Genetics Tuebingen Variant Classification Criteria Version 2. Collection method: clinical testing. Allele origin: germline. Affected: yes. Observed: 3 variant alleles.
Comment: COL6A1: BS2

Labcorp Genetics (formerly Invitae), Labcorp
Classification: Likely benign for Bethlem myopathy 1A. Last evaluated: 2026-02-01. Review status: criteria provided, single submitter. Criteria: Invitae Variant Classification Sherloc (09022015). Collection method: clinical testing. Allele origin: germline.

GeneDx
Classification: Likely benign. Last evaluated: 2020-09-21. Review status: criteria provided, single submitter. Criteria: GeneDx Variant Classification Process June 2021. Collection method: clinical testing. Allele origin: germline. Affected: yes.
Comment: Identified in a patient with Ullrich congenital muscular dystrophy, without a second variant, and was inherited from an unaffected parent (Bovolenta et al., 2010); In silico analysis, which includes protein predictors and evolutionary conservation, supports a deleterious effect; This variant is associated with the following publications: (PMID: 30564623, 20302629, 23040494)

Illumina Laboratory Services, Illumina
Classification: Likely benign for Collagen VI-related myopathy. Last evaluated: 2017-04-28. Review status: criteria provided, single submitter. Criteria: ICSL Variant Classification Criteria 13 December 2019. Collection method: clinical testing. Allele origin: germline.
Comment: This variant was observed as part of a predisposition screen in an ostensibly healthy population. A literature search was performed for the gene, cDNA change, and amino acid change (where applicable). Publications were found based on this search. The evidence from the literature, in combination with allele frequency data from public databases where available, was sufficient to determine this variant is unlikely to cause disease. Therefore, this variant is classified as likely benign.

Eurofins Ntd Llc (ga)
Classification: Uncertain significance. Last evaluated: 2017-01-03. Review status: criteria provided, single submitter. Criteria: EGL Classification Definitions 2015. Collection method: clinical testing. Allele origin: germline. Observed: 15 variant alleles, 15 heterozygotes.

Genetic Services Laboratory, University of Chicago
Classification: Uncertain significance. Last evaluated: 2016-01-13. Review status: criteria provided, single submitter. Criteria: ACMG Guidelines, 2015. Collection method: clinical testing. Allele origin: germline. Affected: no.

PreventionGenetics, part of Exact Sciences
Classification: Likely benign for COL6A1-related condition. Last evaluated: 2024-08-06. Review status: no assertion criteria provided. Collection method: clinical testing. Allele origin: germline. Not counted in ClinVar's aggregate classification.
Comment: This variant is classified as likely benign based on ACMG/AMP sequence variant interpretation guidelines (Richards et al. 2015 PMID: 25741868, with internal and published modifications).

Department of Pathology and Laboratory Medicine, Sinai Health System
Classification: Uncertain significance. Review status: no assertion criteria provided. Collection method: clinical testing. Allele origin: unknown. Affected: yes. Study: The Canadian Open Genetics Repository (COGR). Not counted in ClinVar's aggregate classification.
Comment: The COL6A1 p.Val117Ala variant was not identified in the literature nor was it identified in Cosmic. The variant was identified in dbSNP (ID: rs138899581), LOVD 3.0 and ClinVar (classified as a VUS by EGL Genetic Diagnostics and University of Chicago Genetic Services Laboratory and classified as likely benign by Illumina and Invitae). The variant was identified in control databases in 264 of 280992 chromosomes at a frequency of 0.00094 increasing the likelihood this could be a low frequency benign variant (Genome Aggregation Database Feb 27, 2017). The variant was observed in the following populations: European (non-Finnish) in 235 of 127820 chromosomes (freq: 0.001839), Other in 6 of 7180 chromosomes (freq: 0.000836), European (Finnish) in 10 of 25020 chromosomes (freq: 0.0004), Latino in 8 of 35396 chromosomes (freq: 0.000226), Ashkenazi Jewish in 2 of 10282 chromosomes (freq: 0.000195) and African in 3 of 24762 chromosomes (freq: 0.000121); it was not observed in the East Asian and South Asian populations. This variant was identified in 2/141 patients with Down Syndrome and atrioventricular septal defects (Ackerman_2012_PMID: 23040494). The variant occurs outside of the splicing consensus sequence and four out of four in silico or computational prediction software programs (SpliceSiteFinder, MaxEntScan, NNSPLICE, and GeneSplicer) do not predict a greater than 10% difference in splicing. The p.Val117 residue is not conserved in mammals and computational analyses (PolyPhen-2, SIFT, AlignGVGD, BLOSUM, and MutationTaster) provide inconsistent predictions regarding the impact to the protein; this information is not very predictive of pathogenicity. In summary, based on the above information the clinical significance of this variant cannot be determined with certainty at this time. This variant is classified as a variant of uncertain significance.

Literature cited by the submitters: PubMed 20302629 (cited by Illumina Laboratory Services, Illumina and Eurofins Ntd Llc (ga)).